The following is an entry in ClinVar:

ClinVar aggregate classification (germline): Uncertain significance (1 of 4 stars; one submission).

Submission:

Labcorp Genetics (formerly Invitae), Labcorp
Classification: Uncertain significance. Last evaluated: 2022-02-10. Review status: criteria provided, single submitter. Criteria: Invitae Variant Classification Sherloc (09022015). Collection method: clinical testing. Allele origin: germline.
Comment: This variant is present in population databases (no rsID available, gnomAD 0.0009%). This variant has not been reported in the literature in individuals affected with SPTBN2-related conditions. Experimental studies and prediction algorithms are not available or were not evaluated, and the functional significance of this variant is currently unknown. In summary, the available evidence is currently insufficient to determine the role of this variant in disease. Therefore, it has been classified as a Variant of Uncertain Significance. This variant, c.7004_7012del, results in the deletion of 3 amino acid(s) of the SPTBN2 protein (p.Gly2335_Pro2337del), but otherwise preserves the integrity of the reading frame.

NM_006946.4(SPTBN2):c.7004_7012del (p.Gly2335_Pro2337del)

Gene: SPTBN2 (spectrin beta, non-erythrocytic 2; minus strand). Cytogenetic location: 11q13.2.
Variant type: Deletion.
Coding change: c.7004_7012del on transcript NM_006946.4 (MANE Select); coding-DNA positions 7004 to 7012, 9 bases deleted (GAGAGCCTG; older notation c.7004_7012delGAGAGCCTG).
Protein change: p.Gly2335_Pro2337del.
Molecular consequence: inframe deletion.
Genome position (GRCh38, 1-based): chr11:66,686,032-66,686,040, CAGGCTCTC deleted on the plus strand (GAGAGCCTG on the coding strand, the reverse complement: SPTBN2 is on the minus strand); deleting any 9 consecutive bases within chr11:66,686,032-66,686,043 gives the same sequence; the c. name uses the placement nearest the transcript's 3' end. VCF-style (leftmost placement, unchanged base first): chr11-66686031-TCAGGCTCTC-T. GRCh37 (hg19) VCF-style: chr11-66453502-TCAGGCTCTC-T.
Identifiers: ClinVar variation 1403372 (VCV001403372.8), dbSNP rs1365371309, ClinGen allele CA600233455.